The following is an entry in ClinVar:

NM_002979.5(SCP2):c.410C>T (p.Thr137Ile)

Gene: SCP2 (sterol carrier protein 2; plus strand). Cytogenetic location: 1p32.3.
Variant type: single nucleotide variant.
Coding change: c.410C>T on transcript NM_002979.5 (MANE Select); coding-DNA position 410, C replaced by T.
Protein change: p.Thr137Ile; replaces threonine 137 with isoleucine.
Molecular consequence: missense variant.
Genome position (GRCh38, 1-based): chr1:52,961,516, C>T. VCF-style: chr1-52961516-C-T. GRCh37 (hg19) VCF-style: chr1-53427188-C-T.
Other names: c.278C>T, p.Thr93Ile (NM_001007098.3, NM_001193600.2); c.338C>T, p.Thr113Ile (NM_001193599.2); c.167C>T, p.Thr56Ile (NM_001193617.2); c.410C>T, p.Thr137Ile (NM_001330587.2); short protein forms T113I, T137I, T93I, T56I.
Identifiers: ClinVar variation 2175312 (VCV002175312.1), dbSNP rs1244174054, ClinGen allele CA340377648.

ClinVar aggregate classification (germline): Uncertain significance (1 of 4 stars; one submission).

Allele frequency attached by ClinVar (database versions not stated): gnomAD exomes below 0.00001.
gnomAD v4.1: 4 of 1,613,830 alleles (0.00025%); highest among the groups gnomAD compares: Admixed American, 0.0017%; no homozygotes.

Submission:

Labcorp Genetics (formerly Invitae), Labcorp
Classification: Uncertain significance. Last evaluated: 2022-07-26. Review status: criteria provided, single submitter. Criteria: Invitae Variant Classification Sherloc (09022015). Collection method: clinical testing. Allele origin: germline.
Comment: This sequence change replaces threonine, which is neutral and polar, with isoleucine, which is neutral and non-polar, at codon 137 of the SCP2 protein (p.Thr137Ile). This variant is present in population databases (no rsID available, gnomAD 0.003%). This variant has not been reported in the literature in individuals affected with SCP2-related conditions. Algorithms developed to predict the effect of missense changes on protein structure and function (SIFT, PolyPhen-2, Align-GVGD) all suggest that this variant is likely to be tolerated. In summary, the available evidence is currently insufficient to determine the role of this variant in disease. Therefore, it has been classified as a Variant of Uncertain Significance.